The following is an entry in ClinVar:

NM_001165963.4(SCN1A):c.3767A>C (p.Asp1256Ala)

Genes: SCN1A (sodium voltage-gated channel alpha subunit 1; minus strand), LOC102724058 (uncharacterized LOC102724058; plus strand). Cytogenetic location: 2q24.3.
Variant type: single nucleotide variant.
Coding change: c.3767A>C on transcript NM_001165963.4 (MANE Select); coding-DNA position 3767, A replaced by C.
Protein change: p.Asp1256Ala; replaces aspartic acid 1256 with alanine.
Molecular consequence: missense variant. On other transcripts: non-coding transcript variant (1).
Genome position (GRCh38, 1-based): chr2:166,012,221, T>G on the plus strand (A>C on the coding strand, the complement: SCN1A is on the minus strand). VCF-style: chr2-166012221-T-G. GRCh37 (hg19) VCF-style: chr2-166868731-T-G.
Other names: c.3683A>C, p.Asp1228Ala (NM_001165964.3, NM_001353957.2, NM_001353958.2); c.3767A>C, p.Asp1256Ala (NM_001202435.3, NM_001353948.2); c.3734A>C, p.Asp1245Ala (NM_001353949.2, NM_001353950.2, NM_001353951.2 and 2 more transcripts); c.3731A>C, p.Asp1244Ala (NM_001353954.2, NM_001353955.2); c.3680A>C, p.Asp1227Ala (NM_001353960.2); c.1325A>C, p.Asp442Ala (NM_001353961.2); short protein forms D1228A, D1245A, D442A, D1227A, D1244A, D1256A.
Identifiers: ClinVar variation 2727049 (VCV002727049.3), dbSNP rs2105593110, ClinGen allele CA349054442.
Genomic context (GRCh38, chr2:166,012,221, plus strand): 5'-TAGCCATATGCCACCCATTTTAGAAGCATTTCCAGAATGAAAATGTAAGTGAAAACCTTG[T>G]CAGCATATTCCAACATCGTCTTAATCGTCTTTCGCTGATCAATATATATATCTTCAAATG-3'
Protein context (NP_001159435.1, residues 1246-1266): KTIKTMLEYA[Asp1256Ala]KVFTYIFILE

ClinVar aggregate classification (germline): Pathogenic (1 of 4 stars; one submission).

Conditions:
Early-infantile DEE. Also called: Early infantile epileptic encephalopathy; Early infantile epileptic encephalopathy with suppression bursts; Ohtahara syndrome. Identifiers: Orphanet 1934, MedGen C0393706, MONDO:0800491.

Submission:

Labcorp Genetics (formerly Invitae), Labcorp
Classification: Pathogenic for Early-infantile DEE. Last evaluated: 2025-08-21. Review status: criteria provided, single submitter. Criteria: Invitae Variant Classification Sherloc (09022015). Collection method: clinical testing. Allele origin: germline.
Comment: This sequence change replaces aspartic acid, which is acidic and polar, with alanine, which is neutral and non-polar, at codon 1256 of the SCN1A protein (p.Asp1256Ala). This variant is not present in population databases (gnomAD no frequency). This missense change has been observed in individual(s) with SCN1A-related conditions (PMID: 35813073). In at least one individual the variant was observed to be de novo. ClinVar contains an entry for this variant (Variation ID: 2727049). Invitae Evidence Modeling of protein sequence and biophysical properties (such as structural, functional, and spatial information, amino acid conservation, physicochemical variation, residue mobility, and thermodynamic stability) indicates that this missense variant is expected to disrupt SCN1A protein function with a positive predictive value of 95%. For these reasons, this variant has been classified as Pathogenic.

Literature cited by the submitters: PubMed 35813073.